The following is an entry in ClinVar:

NM_032482.3(DOT1L):c.952dup (p.Asp318fs)

Gene: DOT1L (DOT1 like histone lysine methyltransferase; plus strand). Cytogenetic location: 19p13.3.
Variant type: Duplication.
Coding change: c.952dup on transcript NM_032482.3 (MANE Select); coding-DNA position 952, one base duplicated (G; older notation c.952dupG).
Protein change: p.Asp318fs; shifts the reading frame from aspartic acid 318.
Molecular consequence: frameshift variant.
Genome position (GRCh38, 1-based): chr19:2,207,669, G duplicated. VCF-style (leftmost placement, unchanged base first): chr19-2207668-C-CG. GRCh37 (hg19) VCF-style: chr19-2207667-C-CG.
Other names: c.952dup, p.Asp318fs (NM_001411141.1); short protein forms D318fs.
Identifiers: ClinVar variation 3603144 (VCV003603144.2).

ClinVar aggregate classification (germline): Uncertain significance (1 of 4 stars; one submission).

Submission:

GeneDx
Classification: Uncertain significance. Last evaluated: 2025-09-13. Review status: criteria provided, single submitter. Criteria: GeneDx Variant Classification Process June 2021. Collection method: clinical testing. Allele origin: germline.
Comment: Not observed at significant frequency in large population cohorts (gnomAD); Frameshift variant predicted to result in protein truncation or nonsense mediated decay in a gene or region of a gene for which loss of function is not a well-established mechanism of disease; Has not been previously published as pathogenic or benign to our knowledge